The following is an entry in ClinVar:

ClinVar aggregate classification (germline): Uncertain significance (1 of 4 stars; one submission).

Submission:

Mayo Clinic Laboratories, Mayo Clinic
Classification: Uncertain significance. Last evaluated: 2022-09-15. Review status: criteria provided, single submitter. Criteria: ACMG Guidelines, 2015. Collection method: clinical testing. Allele origin: germline. Observed: 1 variant allele.
Comment: PP3, PM2

NM_001267550.2(TTN):c.10286C>A (p.Ala3429Asp)

Gene: TTN (titin; minus strand). Cytogenetic location: 2q31.2.
Variant type: single nucleotide variant.
Coding change: c.10286C>A on transcript NM_001267550.2 (MANE Select); coding-DNA position 10286, C replaced by A.
Protein change: p.Ala3429Asp; replaces alanine 3429 with aspartic acid.
Molecular consequence: missense variant.
Genome position (GRCh38, 1-based): chr2:178,759,001, G>T on the plus strand (C>A on the coding strand, the complement: TTN is on the minus strand). VCF-style: chr2-178759001-G-T. GRCh37 (hg19) VCF-style: chr2-179623728-G-T.
Other names: p.Ala3429Asp; c.10286C>A, p.Ala3429Asp (NM_001256850.1, NM_133378.4, NM_133379.5); c.10148C>A, p.Ala3383Asp (NM_003319.4, NM_133432.3, NM_133437.4); short protein forms A3383D, A3429D.
Identifiers: ClinVar variation 2682793 (VCV002682793.1), dbSNP rs2531931813, ClinGen allele CA349673028.
Genomic context (GRCh38, chr2:178,759,001, plus strand): 5'-CGATCTATATTTAAATGGGGTTCTGAAAGTTGTTTTACTTTACCTTCCAGACTCAGGTTG[G>T]CTGTGCTTGATACTTGGCCTACAGCATTACTAGCAACAAACGTGTAAGTTCCTTCATCTT-3'
Protein context (NP_001254479.2, residues 3419-3439): SNAVGQVSST[Ala3429Asp]NLSLEGFSKF